The following is an entry in ClinVar:

NM_014425.5(INVS):c.2279C>T (p.Ser760Phe)

Gene: INVS (inversin; plus strand). Cytogenetic location: 9q31.1.
Variant type: single nucleotide variant.
Coding change: c.2279C>T on transcript NM_014425.5 (MANE Select); coding-DNA position 2279, C replaced by T.
Protein change: p.Ser760Phe; replaces serine 760 with phenylalanine.
Molecular consequence: missense variant. On other transcripts: non-coding transcript variant (1).
Genome position (GRCh38, 1-based): chr9:100,292,536, C>T. VCF-style: chr9-100292536-C-T. GRCh37 (hg19) VCF-style: chr9-103054818-C-T.
Other names: c.1991C>T, p.Ser664Phe (NM_001318381.2); c.1301C>T, p.Ser434Phe (NM_001318382.2); c.2279C>T (NM_014425.4); short protein forms S664F, S760F, S434F.
Identifiers: ClinVar variation 648857 (VCV000648857.7), dbSNP rs1324519096, ClinGen allele CA374242714.

ClinVar aggregate classification (germline): Uncertain significance. Review status: criteria provided, multiple submitters, no conflicts (2 of 4 stars). 2 submissions from 2 submitters: Uncertain significance (2). Last evaluated 2026-04-30.

Conditions:
INVS-related disorder. Also called: INVS-related condition.
Nephronophthisis. Also called: Juvenile Nephronophthisis. Identifiers: Orphanet 655, MedGen C0687120, MONDO:0019005, HP:0000090.

Allele frequency attached by ClinVar (database versions not stated): gnomAD exomes below 0.00001 and 0.00001; gnomAD 0.00001.
gnomAD v4.1: 12 of 1,613,998 alleles (0.00074%); highest among the groups gnomAD compares: African/African-American, 0.0013%; no homozygotes.

Submissions (2):

PreventionGenetics, part of Exact Sciences
Classification: Uncertain significance for INVS-related condition. Last evaluated: 2026-04-30. Review status: criteria provided, single submitter. Criteria: ACMG Guidelines, 2015. Collection method: clinical testing. Allele origin: germline.
Comment: The INVS c.2279C>T variant is predicted to result in the amino acid substitution p.Ser760Phe. To our knowledge, this variant has not been reported in the literature. This variant is reported in 0.0016% of alleles in individuals of European (Non-Finnish) descent in gnomAD. At this time, the clinical significance of this variant is uncertain due to the absence of conclusive functional and genetic evidence.

Labcorp Genetics (formerly Invitae), Labcorp
Classification: Uncertain significance for Nephronophthisis. Last evaluated: 2021-09-01. Review status: criteria provided, single submitter. Criteria: Invitae Variant Classification Sherloc (09022015). Collection method: clinical testing. Allele origin: germline.
Comment: This sequence change replaces serine with phenylalanine at codon 760 of the INVS protein (p.Ser760Phe). The serine residue is weakly conserved and there is a large physicochemical difference between serine and phenylalanine. This variant is not present in population databases (ExAC no frequency). This variant has not been reported in the literature in individuals affected with INVS-related conditions. Algorithms developed to predict the effect of missense changes on protein structure and function (SIFT, PolyPhen-2, Align-GVGD) all suggest that this variant is likely to be tolerated. In summary, the available evidence is currently insufficient to determine the role of this variant in disease. Therefore, it has been classified as a Variant of Uncertain Significance.